The following is an entry in ClinVar:

ClinVar aggregate classification (germline): Uncertain significance. Review status: criteria provided, multiple submitters, no conflicts (2 of 4 stars). 5 submissions from 5 submitters: Uncertain significance (5). Last evaluated 2025-07-12.

Conditions:
Myopathy, centronuclear, 5 (CNM5). Identifiers: Orphanet 169186, MedGen C4014814, MONDO:0014418, OMIM 615959.
Inborn genetic diseases. Identifiers: MedGen C0950123, MeSH D030342.

Allele frequency attached by ClinVar (database versions not stated): gnomAD 0.00004; TOPMed 0.00004; ExAC 0.00005; ESP Exome Variant Server 0.00008; gnomAD exomes 0.00008.
gnomAD v4.1: 115 of 1,610,806 alleles (0.0071%); highest among the groups gnomAD compares: Admixed American, 0.013%; no homozygotes.

Submissions (5):

Ambry Genetics
Classification: Uncertain significance for Inborn genetic diseases. Last evaluated: 2025-07-12. Review status: criteria provided, single submitter. Criteria: Ambry Variant Classification Scheme 2023. Collection method: clinical testing. Allele origin: germline.

Revvity Omics, Revvity
Classification: Uncertain significance for Myopathy, centronuclear, 5. Last evaluated: 2024-02-01. Review status: criteria provided, single submitter. Criteria: ACMG Guidelines, 2015. Collection method: clinical testing. Allele origin: germline.

Mayo Clinic Laboratories, Mayo Clinic
Classification: Uncertain significance. Last evaluated: 2023-05-12. Review status: criteria provided, single submitter. Criteria: ACMG Guidelines, 2015. Collection method: clinical testing. Allele origin: germline. Observed: 1 variant allele.

Blueprint Genetics
Classification: Uncertain significance. Last evaluated: 2022-07-19. Review status: criteria provided, single submitter. Criteria: ACMG Guidelines, 2015. Collection method: clinical testing. Allele origin: germline.

Labcorp Genetics (formerly Invitae), Labcorp
Classification: Uncertain significance. Last evaluated: 2022-05-09. Review status: criteria provided, single submitter. Criteria: Invitae Variant Classification Sherloc (09022015). Collection method: clinical testing. Allele origin: germline.
Comment: This sequence change replaces arginine, which is basic and polar, with cysteine, which is neutral and slightly polar, at codon 3227 of the SPEG protein (p.Arg3227Cys). This variant is present in population databases (rs372148131, gnomAD 0.02%). This variant has not been reported in the literature in individuals affected with SPEG-related conditions. Algorithms developed to predict the effect of missense changes on protein structure and function are either unavailable or do not agree on the potential impact of this missense change (SIFT: "Tolerated"; PolyPhen-2: "Probably Damaging"; Align-GVGD: "Class C0"). In summary, the available evidence is currently insufficient to determine the role of this variant in disease. Therefore, it has been classified as a Variant of Uncertain Significance.

NM_005876.5(SPEG):c.9679C>T (p.Arg3227Cys)

Genes: ASIC4-AS1 (ASIC4 antisense RNA 1; minus strand), SPEG (striated muscle enriched protein kinase; plus strand). Cytogenetic location: 2q35.
Variant type: single nucleotide variant.
Coding change: c.9679C>T on transcript NM_005876.5 (MANE Select); coding-DNA position 9679, C replaced by T.
Protein change: p.Arg3227Cys; replaces arginine 3227 with cysteine.
Molecular consequence: missense variant.
Genome position (GRCh38, 1-based): chr2:219,492,661, C>T. VCF-style: chr2-219492661-C-T. GRCh37 (hg19) VCF-style: chr2-220357383-C-T.
Other names: p.Arg3227Cys; c.9679C>T (NM_005876.4); short protein forms R3227C.
Identifiers: ClinVar variation 2168623 (VCV002168623.5), dbSNP rs372148131, ClinGen allele CA2127846.
Genomic context (GRCh38, chr2:219,492,661, plus strand): 5'-CCCTCCCTGCAGGACTGCCTGGCCCACCCATGGTTGCAGGACGCCTACCTGATGAAGCTG[C>T]GCCGCCAGACGCTCACCTTCACCACCAACCGGCTCAAGGAGTTCCTGGGCGAGCAGCGGC-3'
Protein context (NP_005867.3, residues 3217-3237): WLQDAYLMKL[Arg3227Cys]RQTLTFTTNR